The following is an entry in ClinVar:

ClinVar aggregate classification (germline): Benign (1 of 4 stars; one submission).

Allele frequency attached by ClinVar (database versions not stated): gnomAD 0.07123 and 0.07596; TOPMed 0.08022; 1000 Genomes Project 0.08626; 1000 Genomes Project 30x 0.09354.

Submission:

GeneDx
Classification: Benign. Last evaluated: 2018-06-14. Review status: criteria provided, single submitter. Criteria: GeneDx Variant Classification (06012015). Collection method: clinical testing. Allele origin: germline. Affected: yes.
Comment: This variant is considered likely benign or benign based on one or more of the following criteria: it is a conservative change, it occurs at a poorly conserved position in the protein, it is predicted to be benign by multiple in silico algorithms, and/or has population frequency not consistent with disease.

NM_014000.3(VCL):c.1177-158_1177-157insCA

Gene: VCL (vinculin; plus strand). Cytogenetic location: 10q22.2.
Variant type: Insertion.
Coding change: c.1177-158_1177-157insCA on transcript NM_014000.3 (MANE Select); 158 bases into the intron before coding-DNA position 1177 through 157 bases into the intron before coding-DNA position 1177, CA inserted.
Molecular consequence: intron variant.
Genome position: GRCh38 VCF-style: chr10-74089865-T-TCA. GRCh37 (hg19) VCF-style: chr10-75849623-T-TCA.
Other names: c.1177-158_1177-157insCA (NM_003373.4).
Identifiers: ClinVar variation 673003 (VCV000673003.1), dbSNP rs10652052, ClinGen allele CA209700687.